The following is an entry in ClinVar:

ClinVar aggregate classification (germline): Uncertain significance. Review status: criteria provided, multiple submitters, no conflicts (2 of 4 stars). 2 submissions from 2 submitters: Uncertain significance (2). Last evaluated 2024-05-22.

Conditions:
Bruck syndrome 2 (BRKS2). Also called: OSTEOGENESIS IMPERFECTA WITH CONGENITAL JOINT CONTRACTURES. Identifiers: Orphanet 2771, MedGen C1836602, MONDO:0012217, OMIM 609220.

Allele frequency attached by ClinVar (database versions not stated): gnomAD 0.00001; TOPMed 0.00001.
gnomAD v4.1: 1 of 1,612,342 alleles (0.000062%); highest among the groups gnomAD compares: Non-Finnish European, 0.000085%; no homozygotes.

Submissions (2):

Labcorp Genetics (formerly Invitae), Labcorp
Classification: Uncertain significance. Last evaluated: 2024-05-22. Review status: criteria provided, single submitter. Criteria: Invitae Variant Classification Sherloc (09022015). Collection method: clinical testing. Allele origin: germline.
Comment: This sequence change replaces alanine, which is neutral and non-polar, with valine, which is neutral and non-polar, at codon 415 of the PLOD2 protein (p.Ala415Val). This variant is not present in population databases (gnomAD no frequency). This variant has not been reported in the literature in individuals affected with PLOD2-related conditions. ClinVar contains an entry for this variant (Variation ID: 901868). Advanced modeling of protein sequence and biophysical properties (such as structural, functional, and spatial information, amino acid conservation, physicochemical variation, residue mobility, and thermodynamic stability) performed at Invitae indicates that this missense variant is expected to disrupt PLOD2 protein function with a positive predictive value of 80%. In summary, the available evidence is currently insufficient to determine the role of this variant in disease. Therefore, it has been classified as a Variant of Uncertain Significance.

Illumina Laboratory Services, Illumina
Classification: Uncertain significance for Bruck syndrome 2. Last evaluated: 2018-01-13. Review status: criteria provided, single submitter. Criteria: ICSL Variant Classification Criteria 13 December 2019. Collection method: clinical testing. Allele origin: germline.

NM_182943.3(PLOD2):c.1244C>T (p.Ala415Val)

Gene: PLOD2 (procollagen-lysine,2-oxoglutarate 5-dioxygenase 2; minus strand). Cytogenetic location: 3q24.
Variant type: single nucleotide variant.
Coding change: c.1244C>T on transcript NM_182943.3 (MANE Select); coding-DNA position 1244, C replaced by T.
Protein change: p.Ala415Val; replaces alanine 415 with valine.
Molecular consequence: missense variant.
Genome position (GRCh38, 1-based): chr3:146,081,852, G>A on the plus strand (C>T on the coding strand, the complement: PLOD2 is on the minus strand). VCF-style: chr3-146081852-G-A. GRCh37 (hg19) VCF-style: chr3-145799639-G-A.
Other names: c.1244C>T, p.Ala415Val (NM_000935.3); short protein forms A415V.
Identifiers: ClinVar variation 901868 (VCV000901868.8), dbSNP rs1323985527, ClinGen allele CA354890074.